The following is an entry in ClinVar:

NM_013275.6(ANKRD11):c.6083C>T (p.Pro2028Leu)

Gene: ANKRD11 (ankyrin repeat domain 11; minus strand). Cytogenetic location: 16q24.3.
Variant type: single nucleotide variant.
Coding change: c.6083C>T on transcript NM_013275.6 (MANE Select); coding-DNA position 6083, C replaced by T.
Protein change: p.Pro2028Leu; replaces proline 2028 with leucine.
Molecular consequence: missense variant.
Genome position (GRCh38, 1-based): chr16:89,280,459, G>A on the plus strand (C>T on the coding strand, the complement: ANKRD11 is on the minus strand). VCF-style: chr16-89280459-G-A. GRCh37 (hg19) VCF-style: chr16-89346867-G-A.
Other names: c.6083C>T, p.Pro2028Leu (NM_001256182.2, NM_001256183.2); short protein forms P2028L.
Identifiers: ClinVar variation 658415 (VCV000658415.8), dbSNP rs1387729666, ClinGen allele CA397152107.

ClinVar aggregate classification (germline): Uncertain significance (1 of 4 stars; one submission).

Conditions:
KBG syndrome (KBGS). Also called: ANKRD11-Related KBG Syndrome. Identifiers: Orphanet 2332, MedGen C0220687, MONDO:0007846, OMIM 148050.

Allele frequency attached by ClinVar (database versions not stated): gnomAD 0.00016; TOPMed 0.00016.
gnomAD v4.1: 37 of 1,595,278 alleles (0.0023%); highest among the groups gnomAD compares: Admixed American, 0.062%; no homozygotes.

Submission:

Labcorp Genetics (formerly Invitae), Labcorp
Classification: Uncertain significance for KBG syndrome. Last evaluated: 2018-10-08. Review status: criteria provided, single submitter. Criteria: Invitae Variant Classification Sherloc (09022015). Collection method: clinical testing. Allele origin: germline.
Comment: This sequence change replaces proline with leucine at codon 2028 of the ANKRD11 protein (p.Pro2028Leu). The proline residue is weakly conserved and there is a moderate physicochemical difference between proline and leucine. This variant is not present in population databases (ExAC no frequency). This variant has not been reported in the literature in individuals with ANKRD11-related disease. Algorithms developed to predict the effect of missense changes on protein structure and function are either unavailable or do not agree on the potential impact of this missense change (SIFT: "Deleterious"; PolyPhen-2: "Benign"; Align-GVGD: "Class C0"). In summary, the available evidence is currently insufficient to determine the role of this variant in disease. Therefore, it has been classified as a Variant of Uncertain Significance.